The following is an entry in ClinVar:

ClinVar aggregate classification (germline): Uncertain significance (1 of 4 stars; one submission).

Submission:

Labcorp Genetics (formerly Invitae), Labcorp
Classification: Uncertain significance. Last evaluated: 2021-06-06. Review status: criteria provided, single submitter. Criteria: Invitae Variant Classification Sherloc (09022015). Collection method: clinical testing. Allele origin: germline.
Comment: This sequence change replaces asparagine with aspartic acid at codon 169 of the SMS protein (p.Asn169Asp). The asparagine residue is highly conserved and there is a small physicochemical difference between asparagine and aspartic acid. This variant is not present in population databases (ExAC no frequency). This variant has not been reported in the literature in individuals with SMS-related conditions. Algorithms developed to predict the effect of missense changes on protein structure and function are either unavailable or do not agree on the potential impact of this missense change (SIFT: "Tolerated"; PolyPhen-2: "Possibly Damaging"; Align-GVGD: "Class C0"). Algorithms developed to predict the effect of sequence changes on RNA splicing suggest that this variant may create or strengthen a splice site, but this prediction has not been confirmed by published transcriptional studies. In summary, the available evidence is currently insufficient to determine the role of this variant in disease. Therefore, it has been classified as a Variant of Uncertain Significance.

NM_004595.5(SMS):c.505A>G (p.Asn169Asp)

Gene: SMS (spermine synthase; plus strand). Cytogenetic location: Xp22.11.
Variant type: single nucleotide variant.
Coding change: c.505A>G on transcript NM_004595.5 (MANE Select); coding-DNA position 505, A replaced by G.
Protein change: p.Asn169Asp; replaces asparagine 169 with aspartic acid.
Molecular consequence: missense variant.
Genome position (GRCh38, 1-based): chrX:21,977,236, A>G. VCF-style: chrX-21977236-A-G. GRCh37 (hg19) VCF-style: chrX-21995354-A-G.
Other names: c.346A>G, p.Asn116Asp (NM_001258423.2); short protein forms N116D, N169D.
Identifiers: ClinVar variation 1496878 (VCV001496878.6), dbSNP rs2147517651, ClinGen allele CA412567481.